The following is an entry in ClinVar:

NM_001673.5(ASNS):c.1069del (p.Asp357fs)

Genes: ASNS (asparagine synthetase (glutamine-hydrolyzing); minus strand), CZ1P-ASNS (CZ1P-ASNS readthrough; minus strand). Cytogenetic location: 7q21.3.
Variant type: Deletion.
Coding change: c.1069del on transcript NM_001673.5 (MANE Select); coding-DNA position 1069, one base deleted (G; older notation c.1069delG).
Protein change: p.Asp357fs; shifts the reading frame from aspartic acid 357.
Molecular consequence: frameshift variant. On other transcripts: non-coding transcript variant (1).
Genome position (GRCh38, 1-based): chr7:97,855,421, C deleted on the plus strand (G on the coding strand, the reverse complement: ASNS is on the minus strand). VCF-style (leftmost placement, unchanged base first): chr7-97855420-TC-T. GRCh37 (hg19) VCF-style: chr7-97484732-TC-T.
Other names: c.1006del, p.Asp336fs (NM_001178075.2); c.820del, p.Asp274fs (NM_001178076.2, NM_001178077.1); c.1069del, p.Asp357fs (NM_001352496.2, NM_133436.3, NM_183356.4); short protein forms D274fs, D357fs, D336fs.
Identifiers: ClinVar variation 2834161 (VCV002834161.3), dbSNP rs2484642712, ClinGen allele CA2739277886.

ClinVar aggregate classification (germline): Pathogenic (1 of 4 stars; one submission).

Submission:

Labcorp Genetics (formerly Invitae), Labcorp
Classification: Pathogenic. Last evaluated: 2023-02-03. Review status: criteria provided, single submitter. Criteria: Invitae Variant Classification Sherloc (09022015). Collection method: clinical testing. Allele origin: germline.
Comment: This variant has not been reported in the literature in individuals affected with ASNS-related conditions. This sequence change creates a premature translational stop signal (p.Asp357Ilefs*4) in the ASNS gene. It is expected to result in an absent or disrupted protein product. Loss-of-function variants in ASNS are known to be pathogenic (PMID: 27422383, 30057589). This variant is not present in population databases (gnomAD no frequency). For these reasons, this variant has been classified as Pathogenic.

Literature cited by the submitters: PubMed 27422383; PubMed 30057589.